The following is an entry in ClinVar:

ClinVar aggregate classification (germline): Likely benign (0 of 4 stars; one submission).

Conditions:
LRP2-related disorder. Also called: LRP2-related condition.

Allele frequency attached by ClinVar (database versions not stated): gnomAD exomes below 0.00001.
gnomAD v4.1: 2 of 1,614,084 alleles (0.00012%); highest among the groups gnomAD compares: East Asian, 0.0022%; no homozygotes.

Submission:

PreventionGenetics, part of Exact Sciences
Classification: Likely benign for LRP2-related condition. Last evaluated: 2024-01-24. Review status: no assertion criteria provided. Collection method: clinical testing. Allele origin: germline.
Comment: This variant is classified as likely benign based on ACMG/AMP sequence variant interpretation guidelines (Richards et al. 2015 PMID: 25741868, with internal and published modifications).

NM_004525.3(LRP2):c.310+7G>A

Gene: LRP2 (LDL receptor related protein 2; minus strand). Cytogenetic location: 2q31.1.
Variant type: single nucleotide variant.
Coding change: c.310+7G>A on transcript NM_004525.3 (MANE Select); 7 bases into the intron after coding-DNA position 310, G replaced by A.
Molecular consequence: intron variant.
Genome position (GRCh38, 1-based): chr2:169,318,755, C>T on the plus strand (G>A on the coding strand, the complement: LRP2 is on the minus strand). VCF-style: chr2-169318755-C-T. GRCh37 (hg19) VCF-style: chr2-170175265-C-T.
Identifiers: ClinVar variation 3051864 (VCV003051864.2), dbSNP rs2528664238, ClinGen allele CA2661825864.